The following is an entry in ClinVar:

ClinVar aggregate classification (germline): Uncertain significance (1 of 4 stars; one submission).

Conditions:
Nephronophthisis. Also called: Juvenile Nephronophthisis. Identifiers: Orphanet 655, MedGen C0687120, MONDO:0019005, HP:0000090.

Allele frequency attached by ClinVar (database versions not stated): gnomAD exomes below 0.00001 and 0.00001; gnomAD 0.00001; TOPMed 0.00003.
gnomAD v4.1: 6 of 1,613,800 alleles (0.00037%); highest among the groups gnomAD compares: Admixed American, 0.01%; no homozygotes.

Submission:

Labcorp Genetics (formerly Invitae), Labcorp
Classification: Uncertain significance for Nephronophthisis. Last evaluated: 2022-07-06. Review status: criteria provided, single submitter. Criteria: Invitae Variant Classification Sherloc (09022015). Collection method: clinical testing. Allele origin: germline.
Comment: This sequence change replaces valine, which is neutral and non-polar, with alanine, which is neutral and non-polar, at codon 719 of the INVS protein (p.Val719Ala). This variant is present in population databases (no rsID available, gnomAD 0.006%). This variant has not been reported in the literature in individuals affected with INVS-related conditions. ClinVar contains an entry for this variant (Variation ID: 1373069). Algorithms developed to predict the effect of missense changes on protein structure and function output the following: SIFT: "Tolerated"; PolyPhen-2: "Benign"; Align-GVGD: "Class C0". The alanine amino acid residue is found in multiple mammalian species, which suggests that this missense change does not adversely affect protein function. In summary, the available evidence is currently insufficient to determine the role of this variant in disease. Therefore, it has been classified as a Variant of Uncertain Significance.

NM_014425.5(INVS):c.2156T>C (p.Val719Ala)

Gene: INVS (inversin; plus strand). Cytogenetic location: 9q31.1.
Variant type: single nucleotide variant.
Coding change: c.2156T>C on transcript NM_014425.5 (MANE Select); coding-DNA position 2156, T replaced by C.
Protein change: p.Val719Ala; replaces valine 719 with alanine.
Molecular consequence: missense variant. On other transcripts: non-coding transcript variant (1).
Genome position (GRCh38, 1-based): chr9:100,292,413, T>C. VCF-style: chr9-100292413-T-C. GRCh37 (hg19) VCF-style: chr9-103054695-T-C.
Other names: c.1868T>C, p.Val623Ala (NM_001318381.2); c.1178T>C, p.Val393Ala (NM_001318382.2); short protein forms V393A, V623A, V719A.
Identifiers: ClinVar variation 1373069 (VCV001373069.3), dbSNP rs1379171622, ClinGen allele CA374242170.